The following is an entry in ClinVar:

NM_022124.6(CDH23):c.9837C>T (p.Pro3279=)

Gene: CDH23 (cadherin related 23; plus strand). Cytogenetic location: 10q22.1.
Variant type: single nucleotide variant.
Coding change: c.9837C>T on transcript NM_022124.6 (MANE Select); coding-DNA position 9837, C replaced by T.
Protein change: p.Pro3279=; no amino-acid change (proline 3279 retained).
Molecular consequence: synonymous variant.
Genome position (GRCh38, 1-based): chr10:71,815,050, C>T. VCF-style: chr10-71815050-C-T. GRCh37 (hg19) VCF-style: chr10-73574807-C-T.
Other names: c.9837C>T (NM_022124.5); c.3117C>T, p.Pro1039= (NM_001171933.1); c.3012C>T, p.Pro1004= (NM_001171934.1); c.528C>T, p.Pro176= (NM_001171935.1); c.423C>T, p.Pro141= (NM_001171936.1).
Identifiers: ClinVar variation 1142409 (VCV001142409.10), dbSNP rs761383815, ClinGen allele CA5547184.

ClinVar aggregate classification (germline): Conflicting classifications of pathogenicity. Review status: criteria provided, conflicting classifications (1 of 4 stars). 2 submissions from 2 submitters: Uncertain significance (1); Likely benign (1). Last evaluated 2025-08-06.

Conditions:
CDH23-related disorder. Also called: CDH23-related condition; CDH23-related disorders.

Allele frequency attached by ClinVar (database versions not stated): ExAC 0.00001; gnomAD exomes 0.00001.
gnomAD v4.1: 4 of 1,612,292 alleles (0.00025%); highest among the groups gnomAD compares: Admixed American, 0.0017%; no homozygotes.

Submissions (2):

PreventionGenetics, part of Exact Sciences
Classification: Uncertain significance for CDH23-related condition. Last evaluated: 2025-08-06. Review status: criteria provided, single submitter. Criteria: ACMG Guidelines, 2015. Collection method: clinical testing. Allele origin: germline.
Comment: The CDH23 c.9837C>T variant is not predicted to result in an amino acid change (p.=). This variant is predicted to alter splicing based on available splicing prediction programs (SpliceAI, Jaganathan et al. 2019. PubMed ID: 30661751). However, the use of computer prediction programs is not equivalent to functional evidence. To our knowledge, this variant has not been reported in the literature. This variant is reported in 0.0029% of alleles in individuals of Latino descent in gnomAD. At this time, the clinical significance of this variant is uncertain due to the absence of conclusive functional and genetic evidence.

Labcorp Genetics (formerly Invitae), Labcorp
Classification: Likely benign. Last evaluated: 2024-03-11. Review status: criteria provided, single submitter. Criteria: Invitae Variant Classification Sherloc (09022015). Collection method: clinical testing. Allele origin: germline.